The following is an entry in ClinVar:

ClinVar aggregate classification (germline): Pathogenic (1 of 4 stars; one submission).

Conditions:
Autosomal recessive limb-girdle muscular dystrophy type 2P. Also called: MUSCULAR DYSTROPHY-DYSTROGLYCANOPATHY, LIMB-GIRDLE, DAG1-RELATED; Limb-Girdle Muscular Dystrophy Type 9C; MUSCULAR DYSTROPHY, LIMB-GIRDLE, TYPE 2P. Identifiers: Orphanet 280333, MedGen C4511963, MONDO:0013440, OMIM 613818.
Muscular dystrophy-dystroglycanopathy (congenital with brain and eye anomalies), type A9. Also called: WALKER-WARBURG SYNDROME OR MUSCLE-EYE BRAIN DISEASE, DAG1-RELATED; Muscular dystrophy-dystroglycanopathy (congenital with brain and eye anomalies), type a, 9. Identifiers: Orphanet 370997, Orphanet 899, MedGen C4225291, MONDO:0014683, OMIM 616538.

Submission:

Labcorp Genetics (formerly Invitae), Labcorp
Classification: Pathogenic for Autosomal recessive limb-girdle muscular dystrophy type 2P; Muscular dystrophy-dystroglycanopathy (congenital with brain and eye anomalies), type A9. Last evaluated: 2025-01-02. Review status: criteria provided, single submitter. Criteria: Invitae Variant Classification Sherloc (09022015). Collection method: clinical testing. Allele origin: germline.
Comment: This sequence change creates a premature translational stop signal (p.Gln147Argfs*21) in the DAG1 gene. While this is not anticipated to result in nonsense mediated decay, it is expected to disrupt the last 749 amino acid(s) of the DAG1 protein. This variant is not present in population databases (gnomAD no frequency). This variant has not been reported in the literature in individuals affected with DAG1-related conditions. ClinVar contains an entry for this variant (Variation ID: 539125). This variant disrupts a region of the DAG1 protein in which other variant(s) (p.Phe152Leufs*3) have been determined to be pathogenic (internal data). This suggests that this is a clinically significant region of the protein, and that variants that disrupt it are likely to be disease-causing. For these reasons, this variant has been classified as Pathogenic.

NM_004393.6(DAG1):c.440del (p.Gln147fs)

Gene: DAG1 (dystroglycan 1; plus strand). Cytogenetic location: 3p21.31.
Variant type: Deletion.
Coding change: c.440del on transcript NM_004393.6 (MANE Select); coding-DNA position 440, one base deleted (A; older notation c.440delA).
Protein change: p.Gln147fs; shifts the reading frame from glutamine 147.
Molecular consequence: frameshift variant.
Genome position (GRCh38, 1-based): chr3:49,530,951, A deleted. VCF-style (leftmost placement, unchanged base first): chr3-49530950-CA-C. GRCh37 (hg19) VCF-style: chr3-49568383-CA-C.
Other names: c.440delA (NM_004393.5); c.440del, p.Gln147fs (NM_001165928.4, NM_001177634.3, NM_001177635.3 and 9 more transcripts); short protein forms Q147fs.
Identifiers: ClinVar variation 539125 (VCV000539125.8), dbSNP rs1553652503, ClinGen allele CA658796320.